The following is an entry in ClinVar:

NM_018896.5(CACNA1G):c.5523G>T (p.Val1841=)

Gene: CACNA1G (calcium voltage-gated channel subunit alpha1 G; plus strand). Cytogenetic location: 17q21.33.
Variant type: single nucleotide variant.
Coding change: c.5523G>T on transcript NM_018896.5 (MANE Select); coding-DNA position 5523, G replaced by T.
Protein change: p.Val1841=; no amino-acid change (valine 1841 retained).
Molecular consequence: synonymous variant. On other transcripts: non-coding transcript variant (5).
Genome position (GRCh38, 1-based): chr17:50,618,750, G>T. VCF-style: chr17-50618750-G-T. GRCh37 (hg19) VCF-style: chr17-48696111-G-T.
Other names: c.5469G>T, p.Val1823= (NM_001256324.2, NM_198386.3); c.5544G>T, p.Val1848= (NM_001256325.2); c.5388G>T, p.Val1796= (NM_001256326.2, NM_001256330.2); c.5502G>T, p.Val1834= (NM_001256327.2); c.5448G>T, p.Val1816= (NM_001256328.2); c.5421G>T, p.Val1807= (NM_001256329.2, NM_198376.3, NM_198379.3 and 2 more transcripts); c.5367G>T, p.Val1789= (NM_001256331.2); c.5352G>T, p.Val1784= (NM_001256332.2); and 7 more.
Identifiers: ClinVar variation 735745 (VCV000735745.12), dbSNP rs201895309, ClinGen allele CA8653410.

ClinVar aggregate classification (germline): Benign/Likely benign. Review status: criteria provided, multiple submitters, no conflicts (2 of 4 stars). 4 submissions from 4 submitters: Benign (2); Likely benign (1). 1 of the submissions does not count toward it. Last evaluated 2025-12-23.

Conditions:
CACNA1G-related disorder. Also called: CACNA1G-related condition; CACNA1G-related disorders.

Allele frequency attached by ClinVar (database versions not stated): gnomAD exomes 0.00012 and 0.00034; ExAC 0.00045; gnomAD 0.00117 and 0.00125; TOPMed 0.00129; 1000 Genomes Project 0.00140; ESP Exome Variant Server 0.00140; 1000 Genomes Project 30x 0.00156.
gnomAD v4.1: 354 of 1,613,968 alleles (0.022%); highest among the groups gnomAD compares: African/African-American, 0.43%; no homozygotes.

Submissions (4):

Labcorp Genetics (formerly Invitae), Labcorp
Classification: Benign. Last evaluated: 2025-12-23. Review status: criteria provided, single submitter. Criteria: Invitae Variant Classification Sherloc (09022015). Collection method: clinical testing. Allele origin: germline.

Blueprint Genetics
Classification: Likely benign. Last evaluated: 2024-01-18. Review status: criteria provided, single submitter. Criteria: ACMG Guidelines, 2015. Collection method: clinical testing. Allele origin: germline.

GeneDx
Classification: Benign. Last evaluated: 2021-07-23. Review status: criteria provided, single submitter. Criteria: GeneDx Variant Classification Process June 2021. Collection method: clinical testing. Allele origin: germline. Affected: yes.

PreventionGenetics, part of Exact Sciences
Classification: Benign for CACNA1G-related condition. Last evaluated: 2022-07-05. Review status: no assertion criteria provided. Collection method: clinical testing. Allele origin: germline. Not counted in ClinVar's aggregate classification.
Comment: This variant is classified as benign based on ACMG/AMP sequence variant interpretation guidelines (Richards et al. 2015 PMID: 25741868, with internal and published modifications).